The following is an entry in ClinVar:

NM_000260.4(MYO7A):c.4857C>T (p.Gly1619=)

Gene: MYO7A (myosin VIIA; plus strand). Cytogenetic location: 11q13.5.
Variant type: single nucleotide variant.
Coding change: c.4857C>T on transcript NM_000260.4 (MANE Select); coding-DNA position 4857, C replaced by T.
Protein change: p.Gly1619=; no amino-acid change (glycine 1619 retained).
Molecular consequence: synonymous variant.
Genome position (GRCh38, 1-based): chr11:77,201,452, C>T. VCF-style: chr11-77201452-C-T. GRCh37 (hg19) VCF-style: chr11-76912497-C-T.
Other names: c.4743C>T, p.Gly1581= (NM_001127180.2); c.4710C>T, p.Gly1570= (NM_001369365.1); c.4857C>T (NM_000260.3).
Identifiers: ClinVar variation 930124 (VCV000930124.12), dbSNP rs749483109, ClinGen allele CA6198564.

ClinVar aggregate classification (germline): Likely benign. Review status: criteria provided, multiple submitters, no conflicts (2 of 4 stars). 4 submissions from 4 submitters: Likely benign (4). Last evaluated 2025-11-16.

Conditions:
MYO7A-related disorder. Also called: MYO7A-related disorders.

Allele frequency attached by ClinVar (database versions not stated): ExAC 0.00002; gnomAD 0.00002 and 0.00003; TOPMed 0.00002; gnomAD exomes 0.00003 and 0.00005.
gnomAD v4.1: 46 of 1,613,198 alleles (0.0029%); highest among the groups gnomAD compares: Middle Eastern, 0.033%; no homozygotes.

Submissions (4):

Labcorp Genetics (formerly Invitae), Labcorp
Classification: Likely benign. Last evaluated: 2025-11-16. Review status: criteria provided, single submitter. Criteria: Invitae Variant Classification Sherloc (09022015). Collection method: clinical testing. Allele origin: germline.

PreventionGenetics, part of Exact Sciences
Classification: Likely benign for MYO7A-related condition. Last evaluated: 2025-04-16. Review status: criteria provided, single submitter. Criteria: ACMG Guidelines, 2015. Collection method: clinical testing. Allele origin: germline.
Comment: This variant is classified as likely benign based on ACMG/AMP sequence variant interpretation guidelines (Richards et al. 2015 PMID: 25741868, with internal and published modifications).

Blueprint Genetics
Classification: Likely benign. Last evaluated: 2021-09-20. Review status: criteria provided, single submitter. Criteria: ACMG Guidelines, 2015. Collection method: clinical testing. Allele origin: germline.

Laboratory for Molecular Medicine, Mass General Brigham Personalized Medicine
Classification: Likely benign. Last evaluated: 2017-08-23. Review status: criteria provided, single submitter. Criteria: LMM Criteria. Collection method: clinical testing. Allele origin: germline. Observed: 1 variant allele.
Comment: p.Gly1619Gly in exon 36 of MYO7A: This variant is not expected to have clinical significance because it does not alter an amino acid residue and is not located within the splice consensus sequence. It has been identified in 1/9470 Latino chromosomes by the Exome Aggregation Consortium (ExAC; dbSNP rs749483109).